The following is an entry in ClinVar:

ClinVar aggregate classification (germline): Pathogenic. Review status: criteria provided, multiple submitters, no conflicts (2 of 4 stars). 2 submissions from 2 submitters: Pathogenic (2). Last evaluated 2024-02-14.

Conditions:
Neurofibromatosis, type 1 (NF1). Also called: Peripheral type neurofibromatosis; VON RECKLINGHAUSEN DISEASE; Neurofibromatosis, type I; NEUROFIBROMATOSIS, TYPE I, SOMATIC. Identifiers: Orphanet 636, MedGen C0027831, MONDO:0018975, OMIM 162200. Disease mechanism: loss of function.

Submissions (2):

Molecular Pathology, Peter Maccallum Cancer Centre
Classification: Pathogenic for Neurofibromatosis, type 1. Last evaluated: 2024-02-14. Review status: criteria provided, single submitter. Criteria: ACMG Guidelines, 2015. Collection method: clinical testing. Allele origin: germline. Inheritance: Autosomal dominant inheritance.

Labcorp Genetics (formerly Invitae), Labcorp
Classification: Pathogenic for Neurofibromatosis, type 1. Last evaluated: 2022-04-29. Review status: criteria provided, single submitter. Criteria: Invitae Variant Classification Sherloc (09022015). Collection method: clinical testing. Allele origin: germline.
Comment: This variant has not been reported in the literature in individuals affected with NF1-related conditions. For these reasons, this variant has been classified as Pathogenic. ClinVar contains an entry for this variant (Variation ID: 840335). This variant is not present in population databases (gnomAD no frequency). This sequence change creates a premature translational stop signal (p.Lys1345Serfs*40) in the NF1 gene. It is expected to result in an absent or disrupted protein product. Loss-of-function variants in NF1 are known to be pathogenic (PMID: 10712197, 23913538).

Literature cited by the submitters: PubMed 10712197 (cited by Labcorp Genetics (formerly Invitae), Labcorp); PubMed 23913538 (cited by Labcorp Genetics (formerly Invitae), Labcorp).

NM_001042492.3(NF1):c.4034del (p.Lys1345fs)

Gene: NF1 (neurofibromin 1; plus strand). Cytogenetic location: 17q11.2.
Variant type: Deletion.
Coding change: c.4034del on transcript NM_001042492.3 (MANE Select); coding-DNA position 4034, one base deleted (A; older notation c.4034delA).
Protein change: p.Lys1345fs; shifts the reading frame from lysine 1345.
Molecular consequence: frameshift variant.
Genome position (GRCh38, 1-based): chr17:31,249,043, A deleted; the last of 4 consecutive A bases (chr17:31,249,040-31,249,043); deleting any one gives the same sequence. VCF-style (leftmost placement, unchanged base first): chr17-31249039-GA-G. GRCh37 (hg19) VCF-style: chr17-29576057-GA-G.
Other names: c.4034delA, p.Lys1345Serfs (NM_000267.4); short protein forms K1345fs.
Identifiers: ClinVar variation 840335 (VCV000840335.9), dbSNP rs2067449346, ClinGen allele CA916080635.
Genomic context (GRCh38, chr17:31,249,039, plus strand): 5'-TGTAGGTTAGAACCATCAGAGAGCCTTGAGGAAAACCAGCGGAACCTCCTTCAGATGACT[GA>G]AAAGTTCTTCCATGCCATCATCAGTTCCTCCTCAGAATTCCCCCCTCAACTTCGAAGTGT-3'